The following is an entry in ClinVar:

ClinVar aggregate classification (germline): Uncertain significance. Review status: criteria provided, multiple submitters, no conflicts (2 of 4 stars). 2 submissions from 2 submitters: Uncertain significance (2). Last evaluated 2022-03-30.

Conditions:
Mendelian susceptibility to mycobacterial diseases due to complete IL12B deficiency. Also called: IL12B DEFICIENCY; Immunodeficiency 29. Identifiers: Orphanet 319558, MedGen C4013948, MONDO:0013954, OMIM 614890.

Allele frequency attached by ClinVar (database versions not stated): gnomAD exomes below 0.00001 and 0.00001; ExAC 0.00001; gnomAD 0.00001; TOPMed 0.00001.
gnomAD v4.1: 5 of 1,613,772 alleles (0.00031%); highest among the groups gnomAD compares: Admixed American, 0.005%; no homozygotes.

Submissions (2):

Labcorp Genetics (formerly Invitae), Labcorp
Classification: Uncertain significance for Mendelian susceptibility to mycobacterial diseases due to complete IL12B deficiency. Last evaluated: 2022-03-30. Review status: criteria provided, single submitter. Criteria: Invitae Variant Classification Sherloc (09022015). Collection method: clinical testing. Allele origin: germline.
Comment: This variant has not been reported in the literature in individuals affected with IL12B-related conditions. This variant is present in population databases (rs767350741, gnomAD 0.006%). This sequence change replaces arginine, which is basic and polar, with cysteine, which is neutral and slightly polar, at codon 139 of the IL12B protein (p.Arg139Cys). ClinVar contains an entry for this variant (Variation ID: 906496). In summary, the available evidence is currently insufficient to determine the role of this variant in disease. Therefore, it has been classified as a Variant of Uncertain Significance. Algorithms developed to predict the effect of missense changes on protein structure and function (SIFT, PolyPhen-2, Align-GVGD) all suggest that this variant is likely to be tolerated.

Illumina Laboratory Services, Illumina
Classification: Uncertain significance for Mendelian susceptibility to mycobacterial diseases due to complete IL12B deficiency. Last evaluated: 2018-02-09. Review status: criteria provided, single submitter. Criteria: ICSL Variant Classification Criteria 13 December 2019. Collection method: clinical testing. Allele origin: germline.

NM_002187.3(IL12B):c.415C>T (p.Arg139Cys)

Gene: IL12B (interleukin 12B; minus strand). Cytogenetic location: 5q33.3.
Variant type: single nucleotide variant.
Coding change: c.415C>T on transcript NM_002187.3 (MANE Select); coding-DNA position 415, C replaced by T.
Protein change: p.Arg139Cys; replaces arginine 139 with cysteine.
Molecular consequence: missense variant.
Genome position (GRCh38, 1-based): chr5:159,322,461, G>A on the plus strand (C>T on the coding strand, the complement: IL12B is on the minus strand). VCF-style: chr5-159322461-G-A. GRCh37 (hg19) VCF-style: chr5-158749469-G-A.
Other names: short protein forms R139C.
Identifiers: ClinVar variation 906496 (VCV000906496.8), dbSNP rs767350741, ClinGen allele CA3538807.